The following is an entry in ClinVar:

ClinVar aggregate classification (germline): Uncertain significance (1 of 4 stars; one submission).

Conditions:
Hereditary cancer-predisposing syndrome. Also called: Neoplastic Syndromes, Hereditary; Tumor predisposition; Hereditary Cancer Syndrome; Hereditary neoplastic syndrome. Identifiers: Orphanet 140162, MedGen C0027672, MeSH D009386, MONDO:0015356.

gnomAD v4.1: 1 of 1,614,196 alleles (0.000062%); highest among the groups gnomAD compares: South Asian, 0.0011%; no homozygotes.

Submission:

Ambry Genetics
Classification: Uncertain significance for Hereditary cancer-predisposing syndrome. Last evaluated: 2022-03-24. Review status: criteria provided, single submitter. Criteria: Ambry Variant Classification Scheme 2023. Collection method: clinical testing. Allele origin: germline.
Comment: The p.V1254A variant (also known as c.3761T>C), located in coding exon 22 of the PTCH1 gene, results from a T to C substitution at nucleotide position 3761. The valine at codon 1254 is replaced by alanine, an amino acid with similar properties. This amino acid position is conserved. In addition, the in silico prediction for this alteration is inconclusive. Since supporting evidence is limited at this time, the clinical significance of this alteration remains unclear.

NM_000264.5(PTCH1):c.3761T>C (p.Val1254Ala)

Gene: PTCH1 (patched 1; minus strand). Cytogenetic location: 9q22.32.
Variant type: single nucleotide variant.
Coding change: c.3761T>C on transcript NM_000264.5 (MANE Select); coding-DNA position 3761, T replaced by C.
Protein change: p.Val1254Ala; replaces valine 1254 with alanine.
Molecular consequence: missense variant. On other transcripts: non-coding transcript variant (1).
Genome position (GRCh38, 1-based): chr9:95,449,112, A>G on the plus strand (T>C on the coding strand, the complement: PTCH1 is on the minus strand). VCF-style: chr9-95449112-A-G. GRCh37 (hg19) VCF-style: chr9-98211394-A-G.
Other names: c.3563T>C, p.Val1188Ala (NM_001083602.3); c.3758T>C, p.Val1253Ala (NM_001083603.3); c.3308T>C, p.Val1103Ala (NM_001083604.3, NM_001083605.3, NM_001083606.3 and 1 more transcripts); c.3605T>C, p.Val1202Ala (NM_001354918.2); short protein forms V1254A, V1188A, V1253A, V1103A, V1202A.
Identifiers: ClinVar variation 1734680 (VCV001734680.2), dbSNP rs779941873, ClinGen allele CA374110989.